The following is an entry in ClinVar:

ClinVar aggregate classification (germline): Uncertain significance (1 of 4 stars; one submission).

Conditions:
Familial adenomatous polyposis 1 (FAP1). Also called: FAMILIAL ADENOMATOUS POLYPOSIS 1, ATTENUATED; POLYPOSIS, ADENOMATOUS INTESTINAL. Identifiers: MedGen C2713442, MONDO:0021056, OMIM 175100. Disease mechanism: loss of function.

Submission:

Labcorp Genetics (formerly Invitae), Labcorp
Classification: Uncertain significance for Familial adenomatous polyposis 1. Last evaluated: 2021-08-27. Review status: criteria provided, single submitter. Criteria: Invitae Variant Classification Sherloc (09022015). Collection method: clinical testing. Allele origin: germline.
Comment: In summary, the available evidence is currently insufficient to determine the role of this variant in disease. Therefore, it has been classified as a Variant of Uncertain Significance. Algorithms developed to predict the effect of missense changes on protein structure and function (SIFT, PolyPhen-2, Align-GVGD) all suggest that this variant is likely to be tolerated. This variant has not been reported in the literature in individuals affected with APC-related conditions. This variant is not present in population databases (ExAC no frequency). This sequence change replaces serine with threonine at codon 2185 of the APC protein (p.Ser2185Thr). The serine residue is weakly conserved and there is a small physicochemical difference between serine and threonine.

NM_000038.6(APC):c.6554G>C (p.Ser2185Thr)

Gene: APC (APC regulator of Wnt signaling pathway; plus strand). Cytogenetic location: 5q22.2.
Variant type: single nucleotide variant.
Coding change: c.6554G>C on transcript NM_000038.6 (MANE Select); coding-DNA position 6554, G replaced by C.
Protein change: p.Ser2185Thr; replaces serine 2185 with threonine.
Molecular consequence: missense variant.
Genome position (GRCh38, 1-based): chr5:112,842,148, G>C. VCF-style: chr5-112842148-G-C. GRCh37 (hg19) VCF-style: chr5-112177845-G-C.
Other names: c.6554G>C, p.Ser2185Thr (NM_001127510.3, NM_001354895.2); c.6500G>C, p.Ser2167Thr (NM_001127511.3); c.6608G>C, p.Ser2203Thr (NM_001354896.2); c.6584G>C, p.Ser2195Thr (NM_001354897.2); c.6479G>C, p.Ser2160Thr (NM_001354898.2); c.6470G>C, p.Ser2157Thr (NM_001354899.2); c.6431G>C, p.Ser2144Thr (NM_001354900.2); c.6377G>C, p.Ser2126Thr (NM_001354901.2); and 5 more; short protein forms S2144T, S2185T, S2195T, S2025T, S2059T, S2094T, S2167T, S2126T.
Identifiers: ClinVar variation 1515583 (VCV001515583.6), dbSNP rs764255983, ClinGen allele CA16035671.